The following is an entry in ClinVar:

ClinVar aggregate classification (germline): Uncertain significance (1 of 4 stars; one submission).

Conditions:
Specific granule deficiency. Identifiers: Orphanet 169142, MedGen C0398593, MONDO:0009506.

Submission:

Labcorp Genetics (formerly Invitae), Labcorp
Classification: Uncertain significance for Specific granule deficiency. Last evaluated: 2021-11-13. Review status: criteria provided, single submitter. Criteria: Invitae Variant Classification Sherloc (09022015). Collection method: clinical testing. Allele origin: germline.
Comment: In summary, the available evidence is currently insufficient to determine the role of this variant in disease. Therefore, it has been classified as a Variant of Uncertain Significance. Algorithms developed to predict the effect of missense changes on protein structure and function output the following: SIFT: "Tolerated"; PolyPhen-2: "Benign"; Align-GVGD: "Class C0". The aspartic acid amino acid residue is found in multiple mammalian species, which suggests that this missense change does not adversely affect protein function. This variant has not been reported in the literature in individuals affected with CEBPE-related conditions. This variant is not present in population databases (gnomAD no frequency). This sequence change replaces glutamic acid, which is acidic and polar, with aspartic acid, which is acidic and polar, at codon 35 of the CEBPE protein (p.Glu35Asp).

NM_001805.4(CEBPE):c.105G>T (p.Glu35Asp)

Gene: CEBPE (CCAAT enhancer binding protein epsilon; minus strand). Cytogenetic location: 14q11.2.
Variant type: single nucleotide variant.
Coding change: c.105G>T on transcript NM_001805.4 (MANE Select); coding-DNA position 105, G replaced by T.
Protein change: p.Glu35Asp; replaces glutamic acid 35 with aspartic acid.
Molecular consequence: missense variant.
Genome position (GRCh38, 1-based): chr14:23,118,987, C>A on the plus strand (G>T on the coding strand, the complement: CEBPE is on the minus strand). VCF-style: chr14-23118987-C-A. GRCh37 (hg19) VCF-style: chr14-23588196-C-A.
Other names: short protein forms E35D.
Identifiers: ClinVar variation 1460731 (VCV001460731.6), dbSNP rs2140292273, ClinGen allele CA388953952.